The following is an entry in ClinVar:

NM_001099922.3(ALG13):c.2288G>C (p.Gly763Ala)

Gene: ALG13 (ALG13 UDP-N-acetylglucosaminyltransferase subunit; plus strand). Cytogenetic location: Xq23.
Variant type: single nucleotide variant.
Coding change: c.2288G>C on transcript NM_001099922.3 (MANE Select); coding-DNA position 2288, G replaced by C.
Protein change: p.Gly763Ala; replaces glycine 763 with alanine.
Molecular consequence: missense variant. On other transcripts: non-coding transcript variant (1).
Genome position (GRCh38, 1-based): chrX:111,728,225, G>C. VCF-style: chrX-111728225-G-C. GRCh37 (hg19) VCF-style: chrX-110971453-G-C.
Other names: c.1976G>C, p.Gly659Ala (NM_001257230.2, NM_001257234.2, NM_001257237.2); c.2054G>C, p.Gly685Ala (NM_001257231.2); c.2288G>C, p.Gly763Ala (NM_001324292.2); c.1802G>C, p.Gly601Ala (NM_001324293.1); short protein forms G601A, G659A, G685A, G763A.
Identifiers: ClinVar variation 1710445 (VCV001710445.5), dbSNP rs1302894860, ClinGen allele CA414253704.

ClinVar aggregate classification (germline): Uncertain significance. Review status: criteria provided, multiple submitters, no conflicts (2 of 4 stars). 2 submissions from 2 submitters: Uncertain significance (2). Last evaluated 2024-03-28.

Conditions:
Developmental and epileptic encephalopathy, 36 (DEE36). Also called: Epileptic encephalopathy, early infantile, 36; ALG13-CDG; Congenital disorder of glycosylation, type Is. Identifiers: Orphanet 324422, MedGen C4317295, MONDO:0010472, OMIM 300884.

Allele frequency attached by ClinVar (database versions not stated): gnomAD 0.00003; TOPMed 0.00003.
gnomAD v4.1: 3 of 1,209,668 alleles (0.00025%); highest among the groups gnomAD compares: African/African-American, 0.0052%; no homozygotes.

Submissions (2):

Labcorp Genetics (formerly Invitae), Labcorp
Classification: Uncertain significance for Developmental and epileptic encephalopathy, 36. Last evaluated: 2024-03-28. Review status: criteria provided, single submitter. Criteria: Invitae Variant Classification Sherloc (09022015). Collection method: clinical testing. Allele origin: germline.
Comment: This sequence change replaces glycine, which is neutral and non-polar, with alanine, which is neutral and non-polar, at codon 763 of the ALG13 protein (p.Gly763Ala). This variant is not present in population databases (gnomAD no frequency). This variant has not been reported in the literature in individuals affected with ALG13-related conditions. ClinVar contains an entry for this variant (Variation ID: 1710445). Advanced modeling of protein sequence and biophysical properties (such as structural, functional, and spatial information, amino acid conservation, physicochemical variation, residue mobility, and thermodynamic stability) performed at Invitae indicates that this missense variant is not expected to disrupt ALG13 protein function with a negative predictive value of 80%. In summary, the available evidence is currently insufficient to determine the role of this variant in disease. Therefore, it has been classified as a Variant of Uncertain Significance.

Greenwood Genetic Center Diagnostic Laboratories, Greenwood Genetic Center
Classification: Uncertain significance. Last evaluated: 2022-07-25. Review status: criteria provided, single submitter. Criteria: ACMG Guidelines, 2015. Collection method: clinical testing. Allele origin: germline. Affected: yes.
Comment: PM2